The following is an entry in ClinVar:

NM_001287.6(CLCN7):c.1471G>A (p.Gly491Ser)

Gene: CLCN7 (chloride voltage-gated channel 7; minus strand). Cytogenetic location: 16p13.3.
Variant type: single nucleotide variant.
Coding change: c.1471G>A on transcript NM_001287.6 (MANE Select); coding-DNA position 1471, G replaced by A.
Protein change: p.Gly491Ser; replaces glycine 491 with serine.
Molecular consequence: missense variant.
Genome position (GRCh38, 1-based): chr16:1,450,643, C>T on the plus strand (G>A on the coding strand, the complement: CLCN7 is on the minus strand). VCF-style: chr16-1450643-C-T. GRCh37 (hg19) VCF-style: chr16-1500644-C-T.
Other names: c.1399G>A, p.Gly467Ser (NM_001114331.3); c.1471G>A (NM_001287.4); short protein forms G467S, G491S.
Identifiers: ClinVar variation 1381139 (VCV001381139.7), dbSNP rs367805626, ClinGen allele CA7810198.
Genomic context (GRCh38, chr16:1,450,643, plus strand): 5'-CAGACACCGTGAGCCCGTAGGTCCAGCAGGCCAGGAAGAAGTAGACCAGCGTGAACAGGC[C>T]GAGGGTCAGGGGGTTGTAGGAGCCTAGGAGAGAAGAGGGGCTGACGGGGCCTCCACGACT-3'
Protein context (NP_001278.1, residues 481-501): PPGSYNPLTL[Gly491Ser]LFTLVYFFLA

ClinVar aggregate classification (germline): Uncertain significance. Review status: criteria provided, multiple submitters, no conflicts (2 of 4 stars). 2 submissions from 2 submitters: Uncertain significance (2). Last evaluated 2026-01-18.

Conditions:
Inborn genetic diseases. Identifiers: MedGen C0950123, MeSH D030342.

Allele frequency attached by ClinVar (database versions not stated): gnomAD 0.00003 and 0.00004; TOPMed 0.00003; ESP Exome Variant Server 0.00008.
gnomAD v4.1: 66 of 1,611,798 alleles (0.0041%); highest among the groups gnomAD compares: Non-Finnish European, 0.005%; no homozygotes.

Submissions (2):

Labcorp Genetics (formerly Invitae), Labcorp
Classification: Uncertain significance. Last evaluated: 2026-01-18. Review status: criteria provided, single submitter. Criteria: Invitae Variant Classification Sherloc (09022015). Collection method: clinical testing. Allele origin: germline.
Comment: This sequence change replaces glycine, which is neutral and non-polar, with serine, which is neutral and polar, at codon 491 of the CLCN7 protein (p.Gly491Ser). This variant is present in population databases (rs367805626, gnomAD 0.006%). This variant has not been reported in the literature in individuals affected with CLCN7-related conditions. ClinVar contains an entry for this variant (Variation ID: 1381139). Invitae Evidence Modeling of protein sequence and biophysical properties (such as structural, functional, and spatial information, amino acid conservation, physicochemical variation, residue mobility, and thermodynamic stability) indicates that this missense variant is not expected to disrupt CLCN7 protein function with a negative predictive value of 95%. In summary, the available evidence is currently insufficient to determine the role of this variant in disease. Therefore, it has been classified as a Variant of Uncertain Significance.

Ambry Genetics
Classification: Uncertain significance for Inborn genetic diseases. Last evaluated: 2025-10-22. Review status: criteria provided, single submitter. Criteria: Ambry Variant Classification Scheme 2023. Collection method: clinical testing. Allele origin: germline.